The following is an entry in ClinVar:

NM_004415.4(DSP):c.6385A>G (p.Ile2129Val)

Gene: DSP (desmoplakin; plus strand). Cytogenetic location: 6p24.3.
Variant type: single nucleotide variant.
Coding change: c.6385A>G on transcript NM_004415.4 (MANE Select); coding-DNA position 6385, A replaced by G.
Protein change: p.Ile2129Val; replaces isoleucine 2129 with valine.
Molecular consequence: missense variant.
Genome position (GRCh38, 1-based): chr6:7,583,647, A>G. VCF-style: chr6-7583647-A-G. GRCh37 (hg19) VCF-style: chr6-7583880-A-G.
Other names: c.4588A>G, p.Ile1530Val (NM_001008844.3); c.5056A>G, p.Ile1686Val (NM_001319034.2); short protein forms I1530V, I1686V, I2129V.
Identifiers: ClinVar variation 920982 (VCV000920982.10), dbSNP rs755981187, ClinGen allele CA047512.

ClinVar aggregate classification (germline): Conflicting classifications of pathogenicity. Review status: criteria provided, conflicting classifications (1 of 4 stars). 2 submissions from 2 submitters: Uncertain significance (1); Likely benign (1). Last evaluated 2024-03-06.

Conditions:
Cardiomyopathy (CMYO). Also called: Cardiomyopathies. Identifiers: Orphanet 167848, MedGen C0878544, MONDO:0004994, HP:0001638. Inheritance: Various modes of inheritance.
Arrhythmogenic cardiomyopathy with wooly hair and keratoderma. Also called: PALMOPLANTAR KERATODERMA WITH LEFT VENTRICULAR CARDIOMYOPATHY AND WOOLLY HAIR; Carvajal syndrome; Dilated cardiomyopathy with woolly hair and keratoderma; Arrhythmogenic cardiomyopathy with woolly hair and keratoderma. Identifiers: Orphanet 65282, MedGen C1854063, MONDO:0011581, OMIM 605676.
Arrhythmogenic right ventricular dysplasia 8 (ARVD8). Also called: Arrhythmogenic Right Ventricular Dysplasia/Cardiomyopathy 8; ARRHYTHMOGENIC RIGHT VENTRICULAR DYSPLASIA, FAMILIAL, 8; ARRHYTHMOGENIC RIGHT VENTRICULAR CARDIOMYOPATHY 8. Identifiers: MedGen C1843896, MONDO:0011831, OMIM 607450.

Allele frequency attached by ClinVar (database versions not stated): gnomAD exomes below 0.00001 and 0.00001; ExAC 0.00001.
gnomAD v4.1: 2 of 1,614,108 alleles (0.00012%); highest among the groups gnomAD compares: South Asian, 0.0022%; no homozygotes.

Submissions (2):

Color Diagnostics, LLC DBA Color Health
Classification: Uncertain significance for Cardiomyopathy. Last evaluated: 2024-03-06. Review status: criteria provided, single submitter. Criteria: ACMG Guidelines, 2015. Collection method: clinical testing. Allele origin: germline.
Comment: This missense variant replaces isoleucine with valine at codon 2129 of the DSP protein. Computational prediction tool suggests that this variant may not impact protein structure and function (internally defined REVEL score threshold <=0.5, PMID: 27666373). Splice site prediction tools suggest that this variant may not impact RNA splicing. To our knowledge, functional studies have not been performed for this variant. This variant has not been reported in individuals affected with cardiovascular disorders in the literature. This variant has been identified in 2/251324 chromosomes in the general population by the Genome Aggregation Database (gnomAD). The available evidence is insufficient to determine the role of this variant in disease conclusively. Therefore, this variant is classified as a Variant of Uncertain Significance.

Labcorp Genetics (formerly Invitae), Labcorp
Classification: Likely benign for Arrhythmogenic cardiomyopathy with wooly hair and keratoderma; Arrhythmogenic right ventricular dysplasia 8. Last evaluated: 2024-01-22. Review status: criteria provided, single submitter. Criteria: Invitae Variant Classification Sherloc (09022015). Collection method: clinical testing. Allele origin: germline.